The following is an entry in ClinVar:

NM_000487.6(ARSA):c.349G>A (p.Gly117Ser)

Gene: ARSA (arylsulfatase A; minus strand). Cytogenetic location: 22q13.33.
Variant type: single nucleotide variant.
Coding change: c.349G>A on transcript NM_000487.6 (MANE Select); coding-DNA position 349, G replaced by A.
Protein change: p.Gly117Ser; replaces glycine 117 with serine.
Molecular consequence: missense variant.
Genome position (GRCh38, 1-based): chr22:50,627,282, C>T on the plus strand (G>A on the coding strand, the complement: ARSA is on the minus strand). VCF-style: chr22-50627282-C-T. GRCh37 (hg19) VCF-style: chr22-51065710-C-T.
Other names: c.349G>A, p.Gly117Ser (NM_001085425.3, NM_001085426.3, NM_001085427.3); c.91G>A, p.Gly31Ser (NM_001085428.3, NM_001362782.2); short protein forms G117S, G31S.
Identifiers: ClinVar variation 1486688 (VCV001486688.5), dbSNP rs2146725948, ClinGen allele CA412180950.

ClinVar aggregate classification (germline): Uncertain significance (1 of 4 stars; one submission).

Conditions:
Metachromatic leukodystrophy (MLD). Also called: Arylsulfatase A Deficiency; Cerebral sclerosis diffuse metachromatic form; ARSA DEFICIENCY; CEREBROSIDE SULFATASE DEFICIENCY; SULFATIDE LIPIDOSIS; METACHROMATIC LEUKOENCEPHALOPATHY. Identifiers: Orphanet 512, MedGen C0023522, MONDO:0018868, OMIM 250100.

Submission:

Labcorp Genetics (formerly Invitae), Labcorp
Classification: Uncertain significance for Metachromatic leukodystrophy. Last evaluated: 2022-02-24. Review status: criteria provided, single submitter. Criteria: Invitae Variant Classification Sherloc (09022015). Collection method: clinical testing. Allele origin: germline.
Comment: This sequence change replaces glycine, which is neutral and non-polar, with serine, which is neutral and polar, at codon 117 of the ARSA protein (p.Gly117Ser). This variant is not present in population databases (gnomAD no frequency). This variant has not been reported in the literature in individuals affected with ARSA-related conditions. Advanced modeling of protein sequence and biophysical properties (such as structural, functional, and spatial information, amino acid conservation, physicochemical variation, residue mobility, and thermodynamic stability) performed at Invitae indicates that this missense variant is expected to disrupt ARSA protein function. Algorithms developed to predict the effect of sequence changes on RNA splicing suggest that this variant may create or strengthen a splice site. In summary, the available evidence is currently insufficient to determine the role of this variant in disease. Therefore, it has been classified as a Variant of Uncertain Significance.